The following is an entry in ClinVar:

ClinVar aggregate classification (germline): Conflicting classifications of pathogenicity. Review status: criteria provided, conflicting classifications (1 of 4 stars). 5 submissions from 5 submitters: Likely pathogenic (3); Uncertain significance (2). Last evaluated 2025-11-28.

Conditions:
DOK7-related disorder. Also called: DOK7-related condition.
Congenital myasthenic syndrome 10. Also called: Myasthenia, limb-girdle, familial. Identifiers: Orphanet 590, MedGen C1850792, MONDO:0009690, OMIM 254300.
Fetal akinesia deformation sequence 1 (FADS1). Also called: Pena-Shokeir syndrome type I; Fetal akinesia sequence. Identifiers: Orphanet 994, MedGen C1276035, MONDO:0100101, OMIM 208150, HP:0001989.

Allele frequency attached by ClinVar (database versions not stated): TOPMed 0.00002.
gnomAD v4.1: 32 of 1,610,826 alleles (0.002%); highest among the groups gnomAD compares: African/African-American, 0.0053%; no homozygotes.

Submissions (5):

MOLECULAR BIOLOGY AND HUMAN GENETICS DIVISION, THE UNIVERSITY OF BURDWAN
Classification: Likely pathogenic for Congenital myasthenic syndrome 10. Last evaluated: 2025-11-28. Review status: criteria provided, single submitter. Criteria: ACMG Guidelines, 2015. Collection method: research. Allele origin: germline. Affected: yes. Observed: 1 variant allele.
Comment: This variant can be classified as Likely Pathogenic based on the ACMG/AMP criteria PM1, PM2, PM5, and PP3.

PreventionGenetics, part of Exact Sciences
Classification: Likely pathogenic for DOK7-related condition. Last evaluated: 2024-10-15. Review status: criteria provided, single submitter. Criteria: ACMG Guidelines, 2015. Collection method: clinical testing. Allele origin: germline.
Comment: The DOK7 c.230C>T variant is predicted to result in the amino acid substitution p.Thr77Met. This variant has been reported in an individual with Congenital myasthenic syndrome (Cossins et al. 2012. PubMed ID: 22661499). This variant is reported in 0.0066% of alleles in individuals of African descent in gnomAD. This variant is interpreted as likely pathogenic.

Mayo Clinic Laboratories, Mayo Clinic
Classification: Uncertain significance. Last evaluated: 2024-06-10. Review status: criteria provided, single submitter. Criteria: ACMG Guidelines, 2015. Collection method: clinical testing. Allele origin: germline. Observed: 1 variant allele.
Comment: PM1, PM2, PM3

GeneDx
Classification: Likely pathogenic. Last evaluated: 2023-10-01. Review status: criteria provided, single submitter. Criteria: GeneDx Variant Classification Process June 2021. Collection method: clinical testing. Allele origin: germline. Affected: yes.
Comment: Has been reported in a patient with congenital myasthenic syndrome who harbored a second pathogenic variant, but it is not known whether the variants occurred on the same (in cis) or on different (in trans) chromosomes in this report (Cossins et al., 2012); Published functional studies suggest the T77M variant results in damaging effect on the protein function (Cossins et al., 2012); Not observed at significant frequency in large population cohorts (gnomAD); In silico analysis supports that this missense variant has a deleterious effect on protein structure/function; This variant is associated with the following publications: (PMID: 20012313, 20603078, 26198629, 36579833, 22661499)

Labcorp Genetics (formerly Invitae), Labcorp
Classification: Uncertain significance for Congenital myasthenic syndrome 10; Fetal akinesia deformation sequence 1. Last evaluated: 2022-10-10. Review status: criteria provided, single submitter. Criteria: Invitae Variant Classification Sherloc (09022015). Collection method: clinical testing. Allele origin: germline.
Comment: This sequence change replaces threonine, which is neutral and polar, with methionine, which is neutral and non-polar, at codon 77 of the DOK7 protein (p.Thr77Met). This variant is present in population databases (no rsID available, gnomAD 0.007%). This missense change has been observed in individual(s) with congenital myasthenic syndrome (PMID: 22661499). ClinVar contains an entry for this variant (Variation ID: 951724). Advanced modeling of protein sequence and biophysical properties (such as structural, functional, and spatial information, amino acid conservation, physicochemical variation, residue mobility, and thermodynamic stability) has been performed at Invitae for this missense variant, however the output from this modeling did not meet the statistical confidence thresholds required to predict the impact of this variant on DOK7 protein function. Experimental studies have shown that this missense change affects DOK7 function (PMID: 22661499). In summary, the available evidence is currently insufficient to determine the role of this variant in disease. Therefore, it has been classified as a Variant of Uncertain Significance.

Literature cited by the submitters: PubMed 22661499 (cited by 3 submitters); PubMed 34682862 (cited by Mayo Clinic Laboratories, Mayo Clinic); PubMed 36579833 (cited by Mayo Clinic Laboratories, Mayo Clinic).

NM_173660.5(DOK7):c.230C>T (p.Thr77Met)

Gene: DOK7 (docking protein 7; plus strand). Cytogenetic location: 4p16.3.
Variant type: single nucleotide variant.
Coding change: c.230C>T on transcript NM_173660.5 (MANE Select); coding-DNA position 230, C replaced by T.
Protein change: p.Thr77Met; replaces threonine 77 with methionine.
Molecular consequence: missense variant. On other transcripts: intron variant (1).
Genome position (GRCh38, 1-based): chr4:3,473,535, C>T. VCF-style: chr4-3473535-C-T. GRCh37 (hg19) VCF-style: chr4-3475262-C-T.
Other names: p.Thr77Met; c.230C>T, p.Thr77Met (NM_001164673.2, NM_001301071.2); c.100+9984C>T (NM_001363811.2); short protein forms T77M.
Identifiers: ClinVar variation 951724 (VCV000951724.13), dbSNP rs940346413, ClinGen allele CA91528915.